The following is an entry in ClinVar:

ClinVar aggregate classification (germline): Conflicting classifications of pathogenicity. Review status: criteria provided, conflicting classifications (1 of 4 stars). 3 submissions from 3 submitters: Uncertain significance (1); Benign (1). 1 of the submissions does not count toward it. Last evaluated 2025-06-13.

Conditions:
Succinyl-CoA acetoacetate transferase deficiency (SCOTD). Also called: Succinyl CoA:3-oxoacid CoA transferase deficiency; SCOT DEFICIENCY; SUCCINYL-CoA:3-KETOACID CoA-TRANSFERASE DEFICIENCY; KETOACIDOSIS DUE TO SCOT DEFICIENCY; 3-Oxoacid CoA Transferase Deficiency. Identifiers: Orphanet 832, MedGen C0342792, MONDO:0009492, OMIM 245050.
OXCT1-related disorder. Also called: OXCT1-related condition.

Allele frequency attached by ClinVar (database versions not stated): ExAC 0.00024; gnomAD 0.00038; 1000 Genomes Project 30x 0.00047; TOPMed 0.00051; 1000 Genomes Project 0.00060; ESP Exome Variant Server 0.00069.
gnomAD v4.1: 169 of 1,613,948 alleles (0.01%); highest among the groups gnomAD compares: African/African-American, 0.2%; 1 homozygote.

Submissions (3):

Labcorp Genetics (formerly Invitae), Labcorp
Classification: Benign for Succinyl-CoA acetoacetate transferase deficiency. Last evaluated: 2025-06-13. Review status: criteria provided, single submitter. Criteria: Invitae Variant Classification Sherloc (09022015). Collection method: clinical testing. Allele origin: germline.

Illumina Laboratory Services, Illumina
Classification: Uncertain significance for Succinyl-CoA acetoacetate transferase deficiency. Last evaluated: 2018-01-13. Review status: criteria provided, single submitter. Criteria: ICSL Variant Classification Criteria 13 December 2019. Collection method: clinical testing. Allele origin: germline.

PreventionGenetics, part of Exact Sciences
Classification: Likely benign for OXCT1-related condition. Last evaluated: 2019-08-29. Review status: no assertion criteria provided. Collection method: clinical testing. Allele origin: germline. Not counted in ClinVar's aggregate classification.
Comment: This variant is classified as likely benign based on ACMG/AMP sequence variant interpretation guidelines (Richards et al. 2015 PMID: 25741868, with internal and published modifications).

NM_000436.4(OXCT1):c.477A>G (p.Thr159=)

Gene: OXCT1 (3-oxoacid CoA-transferase 1; minus strand). Cytogenetic location: 5p13.1.
Variant type: single nucleotide variant.
Coding change: c.477A>G on transcript NM_000436.4 (MANE Select); coding-DNA position 477, A replaced by G.
Protein change: p.Thr159=; no amino-acid change (threonine 159 retained).
Molecular consequence: synonymous variant. On other transcripts: non-coding transcript variant (1).
Genome position (GRCh38, 1-based): chr5:41,850,117, T>C on the plus strand (A>G on the coding strand, the complement: OXCT1 is on the minus strand). VCF-style: chr5-41850117-T-C. GRCh37 (hg19) VCF-style: chr5-41850219-T-C.
Other names: c.498A>G, p.Thr166= (NM_001364299.2, NM_001364300.2); c.477A>G, p.Thr159= (NM_001364301.2, NM_001364302.2).
Identifiers: ClinVar variation 727754 (VCV000727754.17), dbSNP rs141567487, ClinGen allele CA3253593.